The following is an entry in ClinVar:

ClinVar aggregate classification (germline): Uncertain significance. Review status: criteria provided, multiple submitters, no conflicts (2 of 4 stars). 4 submissions from 4 submitters: Uncertain significance (4). Last evaluated 2025-07-13.

Conditions:
WFS1-related disorder. Identifiers: MedGen CN379391, MONDO:0700293.
Cataract 41 (CTRCT41). Also called: CATARACT 41, CONGENITAL NUCLEAR TYPE. Identifiers: Orphanet 91492, Orphanet 98991, Orphanet 98992, Orphanet 98995, MedGen C3805412, MONDO:0007287, OMIM 116400.
Autosomal dominant nonsyndromic hearing loss 6 (LFSNHL). Also called: Autosomal dominant nonsyndromic deafness 6; DEAFNESS, AUTOSOMAL DOMINANT 6; DEAFNESS, AUTOSOMAL DOMINANT 14; DEAFNESS, AUTOSOMAL DOMINANT 38. Identifiers: Orphanet 90635, MedGen C1833021, MONDO:0010963, OMIM 600965.
Type 2 diabetes mellitus. Also called: Type II diabetes mellitus. Identifiers: MedGen C0011860, MeSH D003924, MONDO:0005148, OMIM 125853, HP:0005978.
Wolfram-like syndrome. Also called: HEARING LOSS, PROGRESSIVE, WITH OPTIC ATROPHY AND/OR IMPAIRED GLUCOSE REGULATION. Identifiers: Orphanet 411590, MedGen C3280358, MONDO:0013673, OMIM 614296.
Wolfram syndrome 1 (WFS1). Identifiers: Orphanet 3463, MedGen C4551693, MONDO:0009101, OMIM 222300.

Allele frequency attached by ClinVar (database versions not stated): gnomAD exomes 0.00003 and 0.00006; TOPMed 0.00003; ExAC 0.00007.
gnomAD v4.1: 15 of 1,610,182 alleles (0.00093%); highest among the groups gnomAD compares: Admixed American, 0.025%; no homozygotes.

Submissions (4):

Labcorp Genetics (formerly Invitae), Labcorp
Classification: Uncertain significance. Last evaluated: 2025-07-13. Review status: criteria provided, single submitter. Criteria: Invitae Variant Classification Sherloc (09022015). Collection method: clinical testing. Allele origin: germline.
Comment: This sequence change replaces glycine, which is neutral and non-polar, with glutamic acid, which is acidic and polar, at codon 213 of the WFS1 protein (p.Gly213Glu). This variant is present in population databases (rs767957602, gnomAD 0.05%). This variant has not been reported in the literature in individuals affected with WFS1-related conditions. ClinVar contains an entry for this variant (Variation ID: 1374770). Invitae Evidence Modeling of protein sequence and biophysical properties (such as structural, functional, and spatial information, amino acid conservation, physicochemical variation, residue mobility, and thermodynamic stability) indicates that this missense variant is not expected to disrupt WFS1 protein function with a negative predictive value of 80%. In summary, the available evidence is currently insufficient to determine the role of this variant in disease. Therefore, it has been classified as a Variant of Uncertain Significance.

PreventionGenetics, part of Exact Sciences
Classification: Uncertain significance for WFS1-related condition. Last evaluated: 2025-07-08. Review status: criteria provided, single submitter. Criteria: ACMG Guidelines, 2015. Collection method: clinical testing. Allele origin: germline.
Comment: The WFS1 c.638G>A variant is predicted to result in the amino acid substitution p.Gly213Glu. To our knowledge, this variant has not been reported in the literature. This variant is reported in 0.044% of alleles in individuals of Latino descent in gnomAD. At this time, the clinical significance of this variant is uncertain due to the absence of conclusive functional and genetic evidence.

GeneDx
Classification: Uncertain significance. Last evaluated: 2024-06-25. Review status: criteria provided, single submitter. Criteria: GeneDx Variant Classification Process June 2021. Collection method: clinical testing. Allele origin: germline. Affected: yes.
Comment: In silico analysis supports that this missense variant does not alter protein structure/function; Has not been previously published as pathogenic or benign to our knowledge

Fulgent Genetics
Classification: Uncertain significance for Cataract 41; Type 2 diabetes mellitus; Wolfram syndrome 1; Autosomal dominant nonsyndromic hearing loss 6; Wolfram-like syndrome. Last evaluated: 2021-11-20. Review status: criteria provided, single submitter. Criteria: ACMG Guidelines, 2015. Collection method: clinical testing. Allele origin: unknown.

NM_006005.3(WFS1):c.638G>A (p.Gly213Glu)

Gene: WFS1 (wolframin ER transmembrane glycoprotein; plus strand). Cytogenetic location: 4p16.1.
Variant type: single nucleotide variant.
Coding change: c.638G>A on transcript NM_006005.3 (MANE Select); coding-DNA position 638, G replaced by A.
Protein change: p.Gly213Glu; replaces glycine 213 with glutamic acid.
Molecular consequence: missense variant.
Genome position (GRCh38, 1-based): chr4:6,291,923, G>A. VCF-style: chr4-6291923-G-A. GRCh37 (hg19) VCF-style: chr4-6293650-G-A.
Other names: c.638G>A, p.Gly213Glu (NM_001145853.1); short protein forms G213E.
Identifiers: ClinVar variation 1374770 (VCV001374770.11), dbSNP rs767957602, ClinGen allele CA2838982.